The following is an entry in ClinVar:

NM_001429.4(EP300):c.598C>T (p.Arg200Ter)

Gene: EP300 (EP300 lysine acetyltransferase; plus strand). Cytogenetic location: 22q13.2.
Variant type: single nucleotide variant.
Coding change: c.598C>T on transcript NM_001429.4 (MANE Select); coding-DNA position 598, C replaced by T.
Protein change: p.Arg200Ter; replaces arginine 200 with a stop codon.
Molecular consequence: nonsense.
Genome position (GRCh38, 1-based): chr22:41,117,690, C>T. VCF-style: chr22-41117690-C-T. GRCh37 (hg19) VCF-style: chr22-41513694-C-T.
Other names: c.598C>T, p.Arg200Ter (NM_001362843.2); short protein forms R200*.
Identifiers: ClinVar variation 1698627 (VCV001698627.5), dbSNP rs769721953, ClinGen allele CA411681286.
Genomic context (GRCh38, chr22:41,117,690, plus strand): 5'-GCAGGCAATGGACAAGGGATAATGCCTAATCAAGTCATGAACGGTTCAATTGGAGCAGGC[C>T]GAGGGCGACAGAATATGCAGTACCCAAACCCAGGCATGGGAAGTGCTGGCAACTTACTGA-3'

ClinVar aggregate classification (germline): Pathogenic/Likely pathogenic. Review status: criteria provided, multiple submitters, no conflicts (2 of 4 stars). 4 submissions from 4 submitters: Pathogenic (2); Likely pathogenic (1). 1 of the submissions does not count toward it. Last evaluated 2024-03-01.

Conditions:
EP300-related disorder. Also called: EP300-related disorders; EP300-related condition.
Rubinstein-Taybi syndrome due to EP300 haploinsufficiency. Also called: EP300-Related Rubinstein-Taybi Syndrome; RUBINSTEIN-TAYBI SYNDROME 2. Identifiers: Orphanet 353284, Orphanet 783, MedGen C3150941, MONDO:0013364, OMIM 613684.

Submissions (4):

Labcorp Genetics (formerly Invitae), Labcorp
Classification: Pathogenic for Rubinstein-Taybi syndrome due to EP300 haploinsufficiency. Last evaluated: 2024-03-01. Review status: criteria provided, single submitter. Criteria: Invitae Variant Classification Sherloc (09022015). Collection method: clinical testing. Allele origin: germline.
Comment: This sequence change creates a premature translational stop signal (p.Arg200*) in the EP300 gene. It is expected to result in an absent or disrupted protein product. Loss-of-function variants in EP300 are known to be pathogenic (PMID: 15706485, 24476420). This variant is not present in population databases (gnomAD no frequency). This premature translational stop signal has been observed in individual(s) with Rubinstein–Taybi syndrome (PMID: 33043588). ClinVar contains an entry for this variant (Variation ID: 1698627). For these reasons, this variant has been classified as Pathogenic.

Blueprint Genetics
Classification: Pathogenic for EP300-related disorders. Last evaluated: 2024-01-24. Review status: criteria provided, single submitter. Criteria: ACMG Guidelines, 2015. Collection method: clinical testing. Allele origin: germline. Affected: yes. Observed: 1 variant allele.

Women's Health and Genetics/Laboratory Corporation of America, LabCorp
Classification: Likely pathogenic for Rubinstein-Taybi syndrome due to EP300 haploinsufficiency. Last evaluated: 2022-06-02. Review status: criteria provided, single submitter. Criteria: LabCorp Variant Classification Summary - May 2015. Collection method: clinical testing. Allele origin: germline.
Comment: Variant summary: EP300 c.598C>T (p.Arg200X) results in a premature termination codon, predicted to cause a truncation of the encoded protein or absence of the protein due to nonsense mediated decay, which are commonly known mechanisms for disease. The variant was absent in 251444 control chromosomes (gnomAD). c.598C>T has been reported in the literature in at least one individual affected with Rubinstein-Taybi Syndrome (Cohen_2020). These data do not allow any conclusion about variant significance. To our knowledge, no experimental evidence demonstrating an impact on protein function has been reported. No clinical diagnostic laboratories have submitted clinical-significance assessments for this variant to ClinVar after 2014. Based on the evidence outlined above, the variant was classified as likely pathogenic.

PreventionGenetics, part of Exact Sciences
Classification: Pathogenic for EP300-related condition. Last evaluated: 2024-04-16. Review status: no assertion criteria provided. Collection method: clinical testing. Allele origin: germline. Not counted in ClinVar's aggregate classification.
Comment: The EP300 c.598C>T variant is predicted to result in premature protein termination (p.Arg200*). This variant was reported in an individual with Rubinstein-Taybi syndrome (Cohen et al. 2020. PubMed ID: 33043588). This variant has not been reported in a large population database, indicating this variant is rare. Nonsense variants in EP300 are expected to be pathogenic. This variant is interpreted as pathogenic.

Literature cited by the submitters: PubMed 15706485 (cited by Labcorp Genetics (formerly Invitae), Labcorp); PubMed 24476420 (cited by Labcorp Genetics (formerly Invitae), Labcorp); PubMed 33043588 (cited by Labcorp Genetics (formerly Invitae), Labcorp and Women's Health and Genetics/Laboratory Corporation of America, LabCorp).